The following is an entry in ClinVar:

ClinVar aggregate classification (germline): Uncertain significance (1 of 4 stars; one submission).

Allele frequency attached by ClinVar (database versions not stated): TOPMed 0.00002; gnomAD 0.00003; gnomAD exomes 0.00003; ExAC 0.00009; 1000 Genomes Project 30x 0.00021; 1000 Genomes Project 0.00026.
gnomAD v4.1: 34 of 1,120,467 alleles (0.003%); highest among the groups gnomAD compares: South Asian, 0.036%; no homozygotes.

Submission:

Labcorp Genetics (formerly Invitae), Labcorp
Classification: Uncertain significance. Last evaluated: 2024-03-08. Review status: criteria provided, single submitter. Criteria: Invitae Variant Classification Sherloc (09022015). Collection method: clinical testing. Allele origin: germline.
Comment: This sequence change replaces alanine, which is neutral and non-polar, with valine, which is neutral and non-polar, at codon 120 of the GPR143 protein (p.Ala120Val). The frequency data for this variant in the population databases is considered unreliable, as metrics indicate poor data quality at this position in the gnomAD database. This variant has not been reported in the literature in individuals affected with GPR143-related conditions. ClinVar contains an entry for this variant (Variation ID: 2414187). An algorithm developed to predict the effect of missense changes on protein structure and function (PolyPhen-2) suggests that this variant is likely to be disruptive. In summary, the available evidence is currently insufficient to determine the role of this variant in disease. Therefore, it has been classified as a Variant of Uncertain Significance.

NM_000273.3(GPR143):c.359C>T (p.Ala120Val)

Gene: GPR143 (G protein-coupled receptor 143; minus strand). Cytogenetic location: Xp22.2.
Variant type: single nucleotide variant.
Coding change: c.359C>T on transcript NM_000273.3 (MANE Select); coding-DNA position 359, C replaced by T.
Protein change: p.Ala120Val; replaces alanine 120 with valine.
Molecular consequence: missense variant.
Genome position (GRCh38, 1-based): chrX:9,760,718, G>A on the plus strand (C>T on the coding strand, the complement: GPR143 is on the minus strand). VCF-style: chrX-9760718-G-A. GRCh37 (hg19) VCF-style: chrX-9728758-G-A.
Other names: short protein forms A120V.
Identifiers: ClinVar variation 2414187 (VCV002414187.6), dbSNP rs751622915, ClinGen allele CA10345053.